The following is an entry in ClinVar:

NM_152424.4(AMER1):c.3039_3123del (p.Gly1014fs)

Gene: AMER1 (APC membrane recruitment protein 1; minus strand). Cytogenetic location: Xq11.2.
Variant type: Deletion.
Coding change: c.3039_3123del on transcript NM_152424.4 (MANE Select); coding-DNA positions 3039 to 3123, 85 bases deleted.
Protein change: p.Gly1014fs; shifts the reading frame from glycine 1014.
Molecular consequence: frameshift variant.
Genome position (GRCh38, 1-based): chrX:64,190,164-64,190,248, 85 bases deleted. GRCh37 (hg19): chrX:63,410,046-63,410,130.
Other names: short protein forms G1014fs.
Identifiers: ClinVar variation 1306211 (VCV001306211.2), dbSNP rs2147084500, ClinGen allele CA2573055373.

ClinVar aggregate classification (germline): Uncertain significance (1 of 4 stars; one submission).

Submission:

GeneDx
Classification: Uncertain significance. Last evaluated: 2019-06-10. Review status: criteria provided, single submitter. Criteria: GeneDx Variant Classification Process June 2021. Collection method: clinical testing. Allele origin: germline. Affected: yes.
Comment: Not observed in large population cohorts (Lek et al., 2016); Frameshift variant predicted to result in protein truncation as the last 122 amino acids are lost and replaced with 2 incorrect amino acids, although loss-of-function variants have not been reported downstream of this position in the protein; Has not been previously published as pathogenic or benign to our knowledge